The following is an entry in ClinVar:

ClinVar aggregate classification (germline): Uncertain significance (1 of 4 stars; one submission).

Conditions:
Pulmonary fibrosis and/or bone marrow failure, Telomere-related, 3. Also called: PULMONARY FIBROSIS AND/OR BONE MARROW FAILURE SYNDROME, TELOMERE-RELATED, 3. Identifiers: Orphanet 2032, MedGen C4225346, MONDO:0014613, OMIM 616373.
Dyskeratosis congenita, autosomal recessive 5 (DKCB5). Identifiers: MedGen C3554656, MONDO:0014076, OMIM 615190.

Allele frequency attached by ClinVar (database versions not stated): ExAC 0.00001.
gnomAD v4.1: 11 of 1,612,042 alleles (0.00068%); highest among the groups gnomAD compares: South Asian, 0.0011%; no homozygotes.

Submission:

Labcorp Genetics (formerly Invitae), Labcorp
Classification: Uncertain significance for Dyskeratosis congenita, autosomal recessive 5; Pulmonary fibrosis and/or bone marrow failure, Telomere-related, 3. Last evaluated: 2026-01-25. Review status: criteria provided, single submitter. Criteria: Invitae Variant Classification Sherloc (09022015). Collection method: clinical testing. Allele origin: germline.
Comment: This sequence change replaces glutamine, which is neutral and polar, with histidine, which is basic and polar, at codon 970 of the RTEL1 protein (p.Gln970His). This variant is present in population databases (rs766629738, gnomAD 0.002%). This variant has not been reported in the literature in individuals affected with RTEL1-related conditions. ClinVar contains an entry for this variant (Variation ID: 2170358). An algorithm developed to predict the effect of missense changes on protein structure and function (PolyPhen-2) suggests that this variant is likely to be disruptive. Algorithms developed to predict the effect of sequence changes on RNA splicing suggest that this variant may create or strengthen a splice site. In summary, the available evidence is currently insufficient to determine the role of this variant in disease. Therefore, it has been classified as a Variant of Uncertain Significance.

NM_001283009.2(RTEL1):c.2910G>C (p.Gln970His)

Genes: RTEL1 (regulator of telomere elongation helicase 1; plus strand), RTEL1-TNFRSF6B (RTEL1-TNFRSF6B readthrough (NMD candidate); plus strand). Cytogenetic location: 20q13.33.
Variant type: single nucleotide variant.
Coding change: c.2910G>C on transcript NM_001283009.2 (MANE Select); coding-DNA position 2910, G replaced by C.
Protein change: p.Gln970His; replaces glutamine 970 with histidine.
Molecular consequence: missense variant. On other transcripts: non-coding transcript variant (1).
Genome position (GRCh38, 1-based): chr20:63,693,201, G>C. VCF-style: chr20-63693201-G-C. GRCh37 (hg19) VCF-style: chr20-62324554-G-C.
Other names: c.2241G>C, p.Gln747His (NM_001283010.1); c.2910G>C, p.Gln970His (NM_016434.4); c.2982G>C, p.Gln994His (NM_032957.5); short protein forms Q970H, Q747H, Q994H.
Identifiers: ClinVar variation 2170358 (VCV002170358.4), dbSNP rs766629738, ClinGen allele CA9965652.